The following is an entry in ClinVar:

NM_000350.3(ABCA4):c.1459C>T (p.Arg487Trp)

Gene: ABCA4 (ATP binding cassette subfamily A member 4; minus strand). Cytogenetic location: 1p22.1.
Variant type: single nucleotide variant.
Coding change: c.1459C>T on transcript NM_000350.3 (MANE Select); coding-DNA position 1459, C replaced by T.
Protein change: p.Arg487Trp; replaces arginine 487 with tryptophan.
Molecular consequence: missense variant.
Genome position (GRCh38, 1-based): chr1:94,077,785, G>A on the plus strand (C>T on the coding strand, the complement: ABCA4 is on the minus strand). VCF-style: chr1-94077785-G-A. GRCh37 (hg19) VCF-style: chr1-94543341-G-A.
Other names: c.1459C>T, p.Arg487Trp (NM_001425324.1); short protein forms R487W.
Identifiers: ClinVar variation 955382 (VCV000955382.7), dbSNP rs369286283, ClinGen allele CA958523.

ClinVar aggregate classification (germline): Uncertain significance. Review status: criteria provided, multiple submitters, no conflicts (2 of 4 stars). 4 submissions from 4 submitters: Uncertain significance (4). Last evaluated 2025-07-22.

Conditions:
ABCA4-related disorder. Also called: ABCA4-related condition; ABCA4-related disorders. Identifiers: MedGen CN239167.
Retinal dystrophy. Also called: Inherited retinal dystrophy. Identifiers: Orphanet 71862, MedGen C0854723, MeSH D058499, MONDO:0019118, HP:0000556.

Allele frequency attached by ClinVar (database versions not stated): gnomAD exomes 0.00001 and 0.00002; ExAC 0.00002; TOPMed 0.00006; gnomAD 0.00007 and 0.00008; ESP Exome Variant Server 0.00008.
gnomAD v4.1: 32 of 1,614,048 alleles (0.002%); highest among the groups gnomAD compares: Middle Eastern, 0.016%; no homozygotes.

Submissions (4):

PreventionGenetics, part of Exact Sciences
Classification: Uncertain significance for ABCA4-related condition. Last evaluated: 2025-07-22. Review status: criteria provided, single submitter. Criteria: ACMG Guidelines, 2015. Collection method: clinical testing. Allele origin: germline.
Comment: The ABCA4 c.1459C>T variant is predicted to result in the amino acid substitution p.Arg487Trp. To our knowledge, this variant has not been previously reported in the literature in association with retinal disease. This variant is reported in 0.013% of alleles in individuals of South Asian descent in gnomAD. At this time, the clinical significance of this variant is uncertain due to the absence of conclusive functional and genetic evidence.

Dept Of Ophthalmology, Nagoya University
Classification: Uncertain significance for Retinal dystrophy. Last evaluated: 2023-10-01. Review status: criteria provided, single submitter. Criteria: Submitter's publication. Collection method: research. Allele origin: germline. Affected: yes.

Labcorp Genetics (formerly Invitae), Labcorp
Classification: Uncertain significance. Last evaluated: 2022-10-13. Review status: criteria provided, single submitter. Criteria: Invitae Variant Classification Sherloc (09022015). Collection method: clinical testing. Allele origin: germline.
Comment: This sequence change replaces arginine, which is basic and polar, with tryptophan, which is neutral and slightly polar, at codon 487 of the ABCA4 protein (p.Arg487Trp). This variant is present in population databases (rs369286283, gnomAD 0.01%). This variant has not been reported in the literature in individuals affected with ABCA4-related conditions. ClinVar contains an entry for this variant (Variation ID: 955382). Algorithms developed to predict the effect of missense changes on protein structure and function (SIFT, PolyPhen-2, Align-GVGD) all suggest that this variant is likely to be disruptive. In summary, the available evidence is currently insufficient to determine the role of this variant in disease. Therefore, it has been classified as a Variant of Uncertain Significance.

Blueprint Genetics
Classification: Uncertain significance. Last evaluated: 2022-10-06. Review status: criteria provided, single submitter. Criteria: ACMG Guidelines, 2015. Collection method: clinical testing. Allele origin: germline.